The following is an entry in ClinVar:

NM_000059.4(BRCA2):c.8893G>C (p.Asp2965His)

Gene: BRCA2 (BRCA2 DNA repair associated; plus strand). Cytogenetic location: 13q13.1.
Variant type: single nucleotide variant.
Coding change: c.8893G>C on transcript NM_000059.4 (MANE Select); coding-DNA position 8893, G replaced by C.
Protein change: p.Asp2965His; replaces aspartic acid 2965 with histidine.
Molecular consequence: missense variant.
Genome position (GRCh38, 1-based): chr13:32,379,455, G>C. VCF-style: chr13-32379455-G-C. GRCh37 (hg19) VCF-style: chr13-32953592-G-C.
Other names: short protein forms D2965H.
Identifiers: ClinVar variation 52696 (VCV000052696.25), dbSNP rs80359141, ClinGen allele CA025862.

ClinVar aggregate classification (germline): Conflicting classifications of pathogenicity. Review status: criteria provided, conflicting classifications (1 of 4 stars). 9 submissions from 9 submitters: Uncertain significance (2); Likely benign (5). 2 of the submissions do not count toward it. Last evaluated 2026-04-02.

Conditions:
BRCA2-related cancer predisposition. Identifiers: MedGen CN377758, MONDO:0700269.
Hereditary cancer-predisposing syndrome. Also called: Hereditary neoplastic syndrome; Neoplastic Syndromes, Hereditary; Hereditary Cancer Syndrome; Tumor predisposition. Identifiers: Orphanet 140162, MedGen C0027672, MeSH D009386, MONDO:0015356.
Hereditary breast ovarian cancer syndrome. Also called: Hereditary breast and ovarian cancer; BRCA1- and BRCA2-Associated Hereditary Breast and Ovarian Cancer; Hereditary breast and/or ovarian cancer syndrome; Hereditary breast and ovarian cancer syndrome; Hereditary breast and ovarian cancer syndrome (HBOC); Breast and ovarian cancer. Identifiers: Orphanet 145, MedGen C0677776, MeSH D061325, MONDO:0003582. Disease mechanism: loss of function.
Breast-ovarian cancer, familial, susceptibility to, 2 (BROVCA2). Also called: BRCA2 Hereditary Breast and Ovarian Cancer. Identifiers: Orphanet 145, MedGen C2675520, MONDO:0012933, OMIM 612555. Disease mechanism: loss of function.

Allele frequency attached by ClinVar (database versions not stated): TOPMed below 0.00001; gnomAD 0.00001.

Submissions (9):

Dasa
Classification: Likely benign for Breast-ovarian cancer, familial, susceptibility to, 2. Last evaluated: 2026-04-02. Review status: criteria provided, single submitter. Criteria: DASA Assertion Criteria. Collection method: clinical testing. Allele origin: germline.
Comment: NM_000059.4(BRCA2):c.8893G>C (p.Asp2965His) is interpreted based on available population and clinical evidence, including population frequency and no convincing observation in affected individuals. Based on the available data, this variant is classified as likely benign.

Labcorp Genetics (formerly Invitae), Labcorp
Classification: Likely benign for Hereditary breast ovarian cancer syndrome. Last evaluated: 2026-01-26. Review status: criteria provided, single submitter. Criteria: Invitae Variant Classification Sherloc (09022015). Collection method: clinical testing. Allele origin: germline.

All of Us Research Program, National Institutes of Health
Classification: Uncertain significance for BRCA2-related cancer predisposition. Last evaluated: 2024-07-29. Review status: criteria provided, single submitter. Criteria: ACMG Guidelines, 2015. Collection method: clinical testing. Allele origin: germline. Inheritance: Autosomal dominant inheritance. Observed: 2 variant alleles, 2 heterozygotes.
Comment: This missense variant replaces aspartic acid with histidine at codon 2965 of the BRCA2 protein. Computational prediction suggests that this variant may not impact protein structure and function (internally defined REVEL score threshold <= 0.5, PMID: 27666373). Functional studies have reported that this variant has no impact on BRCA2 function in a homology-directed repair assay (PMID: 23108138, 29394989, 35736817). Multifactorial analysis has reported co-segregation, co-occurrence and family history likelihood ratios for pathogenicity of 1.00, 1.08 and 1.07, respectively (PMID: 23108138, 31131967). This variant also has been detected in a breast cancer case-control meta-analysis in 1/60463 cases and 1/53461 unaffected individuals (PMID: 33471991; Leiden Open Variation Database DB-ID BRCA2_000381). This variant has not been identified in the general population by the Genome Aggregation Database (gnomAD). The available evidence is insufficient to determine the role of this variant in disease conclusively. Therefore, this variant is classified as a Variant of Uncertain Significance.

This study involves interpretation of variants in research participants for the purpose of population health screening. Participant phenotype was not available at the time of variant classification. Additional details can be found in publication PMID: 35346344, PMCID: PMC8962531

Color Diagnostics, LLC DBA Color Health
Classification: Uncertain significance for Hereditary cancer-predisposing syndrome. Last evaluated: 2024-07-17. Review status: criteria provided, single submitter. Criteria: ACMG Guidelines, 2015. Collection method: clinical testing. Allele origin: germline.
Comment: This missense variant replaces aspartic acid with histidine at codon 2965 of the BRCA2 protein. Computational prediction suggests that this variant may not impact protein structure and function. Functional studies have reported that this variant has no impact on BRCA2 function in a homology-directed repair assay (PMID: 23108138, 29394989, 35736817). Multifactorial analysis has reported co-segregation, co-occurrence and family history likelihood ratios for pathogenicity of 1.00, 1.08 and 1.07, respectively (PMID: 23108138, 31131967). This variant also has been detected in a breast cancer case-control meta-analysis in 1/60463 cases and 1/53461 unaffected individuals (PMID: 33471991; Leiden Open Variation Database DB-ID BRCA2_000381). This variant has not been identified in the general population by the Genome Aggregation Database (gnomAD). The available evidence is insufficient to determine the role of this variant in disease conclusively. Therefore, this variant is classified as a Variant of Uncertain Significance.

Women's Health and Genetics/Laboratory Corporation of America, LabCorp
Classification: Likely benign. Last evaluated: 2020-07-02. Review status: criteria provided, single submitter. Criteria: LabCorp Variant Classification Summary - May 2015. Collection method: clinical testing. Allele origin: germline.
Comment: Variant summary: BRCA2 c.8893G>C (p.Asp2965His) results in a non-conservative amino acid change in the encoded protein sequence. Five of five in-silico tools predict a damaging effect of the variant on protein function. The variant was absent in 249982 control chromosomes (gnomAD). The available data on variant occurrences in the general population are insufficient to allow any conclusion about variant significance. Studies utilizing multifactorial likelihood models to assess the clinical significance of BRCA1/BRCA2 variants predict this variant to be likely non-pathogenic (e.g. Guidugli_2013, Lindor_2012). Experimental evidence evaluating an impact on protein function through utilization of a homologous recombination DNA-repair activity assay demonstrated the variant to be neutral/non-pathogenic (e.g. Guidugli_2013, 2018). Four ClinVar submitters (evaluation after 2014) cite the variant as likely benign (n=3) and as uncertain significance (n=1). Based on the evidence outlined above, the variant was classified as likely benign.

Ambry Genetics
Classification: Likely benign for Hereditary cancer-predisposing syndrome. Last evaluated: 2018-03-26. Review status: criteria provided, single submitter. Criteria: Ambry Variant Classification Scheme 2023. Collection method: clinical testing. Allele origin: germline.

GeneDx
Classification: Likely benign. Last evaluated: 2016-06-16. Review status: criteria provided, single submitter. Criteria: GeneDx Variant Classification (06012015). Collection method: clinical testing. Allele origin: germline. Affected: yes.
Comment: This variant is considered likely benign or benign based on one or more of the following criteria: it is a conservative change, it occurs at a poorly conserved position in the protein, it is predicted to be benign by multiple in silico algorithms, and/or has population frequency not consistent with disease.

Counsyl
Classification: Likely benign for Breast-ovarian cancer, familial, susceptibility to, 2. Last evaluated: 2017-12-27. Review status: no assertion criteria provided. Collection method: clinical testing. Allele origin: unknown. Not counted in ClinVar's aggregate classification.

Breast Cancer Information Core (BIC) (BRCA2)
Classification: Uncertain significance for Breast-ovarian cancer, familial 2. Last evaluated: 2002-05-29. Review status: no assertion criteria provided. Collection method: clinical testing. Allele origin: germline. Affected: yes. Observed: 2 variant alleles. Not counted in ClinVar's aggregate classification.

Literature cited by the submitters: PubMed 23108138 (cited by 4 submitters); PubMed 29394989 (cited by 4 submitters); PubMed 31131967 (cited by All of Us Research Program, National Institutes of Health and Color Diagnostics, LLC DBA Color Health); PubMed 33471991 (cited by All of Us Research Program, National Institutes of Health and Color Diagnostics, LLC DBA Color Health); PubMed 35736817 (cited by All of Us Research Program, National Institutes of Health and Color Diagnostics, LLC DBA Color Health); PubMed 21990134 (cited by Women's Health and Genetics/Laboratory Corporation of America, LabCorp and Counsyl); PubMed 29580235 (cited by Women's Health and Genetics/Laboratory Corporation of America, LabCorp); PubMed 19043619 (cited by Counsyl).